The following is an entry in ClinVar:

ClinVar aggregate classification (germline): Conflicting classifications of pathogenicity. Review status: criteria provided, conflicting classifications (1 of 4 stars). 3 submissions from 3 submitters: Uncertain significance (1); Likely benign (1). 1 of the submissions does not count toward it. Last evaluated 2025-03-06.

Conditions:
KMT2C-related disorder. Also called: KMT2C-related disorders; KMT2C-related condition.
Kleefstra syndrome 2 (KLEFS2). Identifiers: MedGen C4540395, MONDO:0054701, OMIM 617768.

Allele frequency attached by ClinVar (database versions not stated): ExAC 0.00004; gnomAD exomes 0.00004; gnomAD 0.00005; TOPMed 0.00005; ESP Exome Variant Server 0.00008; 1000 Genomes Project 0.00020; 1000 Genomes Project 30x 0.00031.
gnomAD v4.1: 59 of 1,611,316 alleles (0.0037%); highest among the groups gnomAD compares: Admixed American, 0.027%; no homozygotes.

Submissions (3):

Labcorp Genetics (formerly Invitae), Labcorp
Classification: Likely benign. Last evaluated: 2025-03-06. Review status: criteria provided, single submitter. Criteria: Invitae Variant Classification Sherloc (09022015). Collection method: clinical testing. Allele origin: germline.

Revvity Omics, Revvity
Classification: Uncertain significance for Kleefstra syndrome 2. Last evaluated: 2023-11-01. Review status: criteria provided, single submitter. Criteria: ACMG Guidelines, 2015. Collection method: clinical testing. Allele origin: germline.

PreventionGenetics, part of Exact Sciences
Classification: Likely benign for KMT2C-related condition. Last evaluated: 2023-08-29. Review status: no assertion criteria provided. Collection method: clinical testing. Allele origin: germline. Not counted in ClinVar's aggregate classification.
Comment: This variant is classified as likely benign based on ACMG/AMP sequence variant interpretation guidelines (Richards et al. 2015 PMID: 25741868, with internal and published modifications).

NM_170606.3(KMT2C):c.5198C>T (p.Ser1733Leu)

Gene: KMT2C (lysine methyltransferase 2C; minus strand). Cytogenetic location: 7q36.1.
Variant type: single nucleotide variant.
Coding change: c.5198C>T on transcript NM_170606.3 (MANE Select); coding-DNA position 5198, C replaced by T.
Protein change: p.Ser1733Leu; replaces serine 1733 with leucine.
Molecular consequence: missense variant.
Genome position (GRCh38, 1-based): chr7:152,183,041, G>A on the plus strand (C>T on the coding strand, the complement: KMT2C is on the minus strand). VCF-style: chr7-152183041-G-A. GRCh37 (hg19) VCF-style: chr7-151880126-G-A.
Other names: c.5198C>T (NM_170606.2); short protein forms S1733L.
Identifiers: ClinVar variation 2689331 (VCV002689331.5), dbSNP rs146495785, ClinGen allele CA4580301.